The following is an entry in ClinVar:

ClinVar aggregate classification (germline): Uncertain significance (1 of 4 stars; one submission).

Conditions:
Juvenile polyposis syndrome (JPS). Identifiers: Orphanet 2929, MedGen C0345893, MONDO:0017380, OMIM 174900.

Submission:

Labcorp Genetics (formerly Invitae), Labcorp
Classification: Uncertain significance for Juvenile polyposis syndrome. Last evaluated: 2021-06-25. Review status: criteria provided, single submitter. Criteria: Invitae Variant Classification Sherloc (09022015). Collection method: clinical testing. Allele origin: germline.
Comment: This sequence change replaces valine with leucine at codon 226 of the BMPR1A protein (p.Val226Leu). The valine residue is highly conserved and there is a small physicochemical difference between valine and leucine. This variant is not present in population databases (ExAC no frequency). This variant has not been reported in the literature in individuals with BMPR1A-related conditions. Algorithms developed to predict the effect of missense changes on protein structure and function (SIFT, PolyPhen-2, Align-GVGD) all suggest that this variant is likely to be tolerated, but these predictions have not been confirmed by published functional studies and their clinical significance is uncertain. Algorithms developed to predict the effect of sequence changes on RNA splicing suggest that this variant may disrupt the consensus splice site, but this prediction has not been confirmed by published transcriptional studies. In summary, the available evidence is currently insufficient to determine the role of this variant in disease. Therefore, it has been classified as a Variant of Uncertain Significance.

NM_004329.3(BMPR1A):c.676G>C (p.Val226Leu)

Gene: BMPR1A (bone morphogenetic protein receptor type 1A; plus strand). Cytogenetic location: 10q23.2.
Variant type: single nucleotide variant.
Coding change: c.676G>C on transcript NM_004329.3 (MANE Select); coding-DNA position 676, G replaced by C.
Protein change: p.Val226Leu; replaces valine 226 with leucine.
Molecular consequence: missense variant.
Genome position (GRCh38, 1-based): chr10:86,917,134, G>C. VCF-style: chr10-86917134-G-C. GRCh37 (hg19) VCF-style: chr10-88676891-G-C.
Other names: short protein forms V226L.
Identifiers: ClinVar variation 1363974 (VCV001363974.8), dbSNP rs587780110, ClinGen allele CA377456813.